The following is an entry in ClinVar:

NM_001367624.2(ZNF469):c.3616C>G (p.Pro1206Ala)

Gene: ZNF469 (zinc finger protein 469; plus strand). Cytogenetic location: 16q24.2.
Variant type: single nucleotide variant.
Coding change: c.3616C>G on transcript NM_001367624.2 (MANE Select); coding-DNA position 3616, C replaced by G.
Protein change: p.Pro1206Ala; replaces proline 1206 with alanine.
Molecular consequence: missense variant.
Genome position (GRCh38, 1-based): chr16:88,431,086, C>G. VCF-style: chr16-88431086-C-G. GRCh37 (hg19) VCF-style: chr16-88497494-C-G.
Other names: NM_001127464.1:c.3532C>G; short protein forms P1206A.
Identifiers: ClinVar variation 3476152 (VCV003476152.1).

ClinVar aggregate classification (germline): Uncertain significance (1 of 4 stars; one submission).

Conditions:
Cardiovascular phenotype. Identifiers: MedGen CN230736.

gnomAD v4.1: 1 of 1,550,092 alleles (0.000065%); highest among the groups gnomAD compares: Non-Finnish European, 0.000087%; no homozygotes.

Submission:

Ambry Genetics
Classification: Uncertain significance for Cardiovascular phenotype. Last evaluated: 2024-06-30. Review status: criteria provided, single submitter. Criteria: Ambry Variant Classification Scheme 2023. Collection method: clinical testing. Allele origin: germline.
Comment: The p.P1178A variant (also known as c.3532C>G), located in coding exon 2 of the ZNF469 gene, results from a C to G substitution at nucleotide position 3532. The proline at codon 1178 is replaced by alanine, an amino acid with highly similar properties. This amino acid position is conserved. In addition, this alteration is predicted to be tolerated by in silico analysis. Based on the available evidence, the clinical significance of this variant remains unclear.